The following is an entry in ClinVar:

ClinVar aggregate classification (germline): Conflicting classifications of pathogenicity. Review status: criteria provided, conflicting classifications (1 of 4 stars). 5 submissions from 5 submitters: Uncertain significance (1); Benign (1); Likely benign (3). Last evaluated 2026-06-01.

Conditions:
Glycogen storage disease due to muscle beta-enolase deficiency (GSD13). Also called: Glycogen Storage Disease Type XIII; ENOLASE 3 DEFICIENCY; ENOLASE-BETA DEFICIENCY; GSD XIII. Identifiers: Orphanet 99849, MedGen C2752027, MONDO:0013046, OMIM 612932.

Allele frequency attached by ClinVar (database versions not stated): 1000 Genomes Project 30x 0.00016; 1000 Genomes Project 0.00020; ESP Exome Variant Server 0.00092; TOPMed 0.00102; gnomAD 0.00127 and 0.00133; ExAC 0.00146.
gnomAD v4.1: 2,521 of 1,614,148 alleles (0.16%); highest among the groups gnomAD compares: South Asian, 0.19%; 3 homozygotes.

Submissions (5):

CeGaT Center for Human Genetics Tuebingen
Classification: Likely benign. Last evaluated: 2026-06-01. Review status: criteria provided, single submitter. Criteria: CeGaT Center For Human Genetics Tuebingen Variant Classification Criteria Version 2. Collection method: clinical testing. Allele origin: germline. Affected: yes. Observed: 8 variant alleles.
Comment: ENO3: BP4, BP7

Labcorp Genetics (formerly Invitae), Labcorp
Classification: Benign for Glycogen storage disease due to muscle beta-enolase deficiency. Last evaluated: 2026-01-28. Review status: criteria provided, single submitter. Criteria: Invitae Variant Classification Sherloc (09022015). Collection method: clinical testing. Allele origin: germline.

Blueprint Genetics
Classification: Likely benign. Last evaluated: 2024-11-15. Review status: criteria provided, single submitter. Criteria: ACMG Guidelines, 2015. Collection method: clinical testing. Allele origin: germline.

GeneDx
Classification: Likely benign. Last evaluated: 2018-02-09. Review status: criteria provided, single submitter. Criteria: GeneDx Variant Classification (06012015). Collection method: clinical testing. Allele origin: germline. Affected: yes.
Comment: This variant is considered likely benign or benign based on one or more of the following criteria: it is a conservative change, it occurs at a poorly conserved position in the protein, it is predicted to be benign by multiple in silico algorithms, and/or has population frequency not consistent with disease.

Illumina Laboratory Services, Illumina
Classification: Uncertain significance for Glycogen storage disease due to muscle beta-enolase deficiency. Last evaluated: 2018-01-12. Review status: criteria provided, single submitter. Criteria: ICSL Variant Classification Criteria 13 December 2019. Collection method: clinical testing. Allele origin: germline.

NM_053013.4(ENO3):c.417G>A (p.Gly139=)

Gene: ENO3 (enolase 3; plus strand). Cytogenetic location: 17p13.2.
Variant type: single nucleotide variant.
Coding change: c.417G>A on transcript NM_053013.4 (MANE Select); coding-DNA position 417, G replaced by A.
Protein change: p.Gly139=; no amino-acid change (glycine 139 retained).
Molecular consequence: synonymous variant.
Genome position (GRCh38, 1-based): chr17:4,953,818, G>A. VCF-style: chr17-4953818-G-A. GRCh37 (hg19) VCF-style: chr17-4857113-G-A.
Other names: c.288G>A, p.Gly96= (NM_001193503.2); c.417G>A, p.Gly139= (NM_001976.5).
Identifiers: ClinVar variation 324140 (VCV000324140.45), dbSNP rs142390642, ClinGen allele CA8316292.